The following is an entry in ClinVar:

ClinVar aggregate classification (germline): Likely benign. Review status: criteria provided, multiple submitters, no conflicts (2 of 4 stars). 4 submissions from 4 submitters: Likely benign (4). Last evaluated 2025-11-03.

Conditions:
Rienhoff syndrome. Also called: LOEYS-DIETZ SYNDROME 5. Identifiers: MedGen C3810012, MONDO:0014262, OMIM 615582.
Familial thoracic aortic aneurysm and aortic dissection (TAAD). Also called: Thoracic aortic aneurysms and dissections. Identifiers: Orphanet 91387, MedGen C4707243, MONDO:0019625.

Allele frequency attached by ClinVar (database versions not stated): gnomAD 0.00001; 1000 Genomes Project 0.00020; 1000 Genomes Project 30x 0.00031.
gnomAD v4.1: 47 of 1,614,226 alleles (0.0029%); highest among the groups gnomAD compares: South Asian, 0.046%; no homozygotes.

Submissions (4):

Labcorp Genetics (formerly Invitae), Labcorp
Classification: Likely benign for Rienhoff syndrome. Last evaluated: 2025-11-03. Review status: criteria provided, single submitter. Criteria: Invitae Variant Classification Sherloc (09022015). Collection method: clinical testing. Allele origin: germline.

Ambry Genetics
Classification: Likely benign for Familial thoracic aortic aneurysm and aortic dissection. Last evaluated: 2024-05-05. Review status: criteria provided, single submitter. Criteria: Ambry Variant Classification Scheme 2023. Collection method: clinical testing. Allele origin: germline.

Women's Health and Genetics/Laboratory Corporation of America, LabCorp
Classification: Likely benign. Last evaluated: 2024-01-28. Review status: criteria provided, single submitter. Criteria: LabCorp Variant Classification Summary - May 2015. Collection method: clinical testing. Allele origin: germline.

GeneDx
Classification: Likely benign. Last evaluated: 2018-06-04. Review status: criteria provided, single submitter. Criteria: GeneDx Variant Classification (06012015). Collection method: clinical testing. Allele origin: germline. Affected: yes.
Comment: This variant is considered likely benign or benign based on one or more of the following criteria: it is a conservative change, it occurs at a poorly conserved position in the protein, it is predicted to be benign by multiple in silico algorithms, and/or has population frequency not consistent with disease.

NM_003239.5(TGFB3):c.441C>T (p.Phe147=)

Gene: TGFB3 (transforming growth factor beta 3; minus strand). Cytogenetic location: 14q24.3.
Variant type: single nucleotide variant.
Coding change: c.441C>T on transcript NM_003239.5 (MANE Select); coding-DNA position 441, C replaced by T.
Protein change: p.Phe147=; no amino-acid change (phenylalanine 147 retained).
Molecular consequence: synonymous variant.
Genome position (GRCh38, 1-based): chr14:75,971,630, G>A on the plus strand (C>T on the coding strand, the complement: TGFB3 is on the minus strand). VCF-style: chr14-75971630-G-A. GRCh37 (hg19) VCF-style: chr14-76437973-G-A.
Other names: c.441C>T, p.Phe147= (NM_001329938.2, NM_001329939.2).
Identifiers: ClinVar variation 668687 (VCV000668687.11), dbSNP rs560468476, ClinGen allele CA7280446.
Genomic context (GRCh38, chr14:75,971,630, plus strand): 5'-CCTCTGCTCATTCCGCTTAGAGCTGGGGTTGGGCACCCGCAAGACCCGGAATTCTGCTCG[G>A]AATAGGTTGGTTCTATTTTTCTCCACTGAGGACACATTGAAGCGGAAAACCTTGGAGGTA-3'
Protein context (NP_003230.1, residues 137-157): SSVEKNRTNL[Phe147=]RAEFRVLRVP